The following is an entry in ClinVar:

NM_181078.3(IL21R):c.1048A>G (p.Ser350Gly)

Genes: IL21R (interleukin 21 receptor; plus strand), IL21R-AS1 (IL21R antisense RNA 1; minus strand). Cytogenetic location: 16p12.1.
Variant type: single nucleotide variant.
Coding change: c.1048A>G on transcript NM_181078.3 (MANE Select); coding-DNA position 1048, A replaced by G.
Protein change: p.Ser350Gly; replaces serine 350 with glycine.
Molecular consequence: missense variant. On other transcripts: non-coding transcript variant (1).
Genome position (GRCh38, 1-based): chr16:27,448,714, A>G. VCF-style: chr16-27448714-A-G. GRCh37 (hg19) VCF-style: chr16-27460035-A-G.
Other names: c.1048A>G, p.Ser350Gly (NM_021798.4); c.1114A>G, p.Ser372Gly (NM_181079.5); short protein forms S350G, S372G.
Identifiers: ClinVar variation 450009 (VCV000450009.2), dbSNP rs1555498758, ClinGen allele CA395307083.
Genomic context (GRCh38, chr16:27,448,714, plus strand): 5'-CAGCTCACGGAGCTACAAGAACCAGCAGAGCTGGTGGAGTCTGACGGTGTGCCCAAGCCC[A>G]GCTTCTGGCCGACAGCCCAGAACTCGGGGGGCTCAGCTTACAGTGAGGAGAGGGATCGGC-3'
Protein context (NP_851564.1, residues 340-360): LVESDGVPKP[Ser350Gly]FWPTAQNSGG

ClinVar aggregate classification (germline): Uncertain significance (1 of 4 stars; one submission).

Allele frequency attached by ClinVar (database versions not stated): gnomAD exomes below 0.00001.
gnomAD v4.1: 2 of 1,613,342 alleles (0.00012%); highest among the groups gnomAD compares: Non-Finnish European, 0.00017%; no homozygotes.

Submission:

GeneDx
Classification: Uncertain significance. Last evaluated: 2017-06-22. Review status: criteria provided, single submitter. Criteria: GeneDx Variant Classification (06012015). Collection method: clinical testing. Allele origin: germline. Affected: yes.
Comment: The S350G variant in the IL21R gene has not been reported previously as a pathogenic variant, nor as a benign variant, to our knowledge. The S350G variant is not observed in large population cohorts (Lek et al., 2016; 1000 Genomes Consortium et al., 2015; Exome Variant Server). The S350G variant is a non-conservative amino acid substitution, which is likely to impact secondary protein structure as these residues differ in polarity, charge, size and/or other properties. This substitution occurs at a position that is not conserved. In silico analysis is inconsistent in its predictions as to whether or not the variant is damaging to the protein structure/function. We interpret S350G as a variant of uncertain significance.